The following is an entry in ClinVar:

ClinVar aggregate classification (germline): Uncertain significance (1 of 4 stars; one submission).

Conditions:
CHARGE syndrome (CHARGE). Also called: Coloboma, heart anomaly, choanal atresia, retardation, genital and ear anomalies; CHARGE association; Hall-Hittner syndrome; Hittner Hirsch Kreh syndrome; CHARGE ASSOCIATION--COLOBOMA, HEART ANOMALY, CHOANAL ATRESIA, RETARDATION, GENITAL AND EAR ANOMALIES. Identifiers: Orphanet 138, MedGen C0265354, MONDO:0008965.

Allele frequency attached by ClinVar (database versions not stated): gnomAD exomes below 0.00001.
gnomAD v4.1: 1 of 1,614,022 alleles (0.000062%); no homozygotes.

Submission:

Labcorp Genetics (formerly Invitae), Labcorp
Classification: Uncertain significance for CHARGE syndrome. Last evaluated: 2022-01-15. Review status: criteria provided, single submitter. Criteria: Invitae Variant Classification Sherloc (09022015). Collection method: clinical testing. Allele origin: germline.
Comment: This sequence change replaces lysine, which is basic and polar, with glutamine, which is neutral and polar, at codon 634 of the SEMA3E protein (p.Lys634Gln). In summary, the available evidence is currently insufficient to determine the role of this variant in disease. Therefore, it has been classified as a Variant of Uncertain Significance. Algorithms developed to predict the effect of missense changes on protein structure and function output the following: SIFT: "Deleterious"; PolyPhen-2: "Benign"; Align-GVGD: "Class C0". The glutamine amino acid residue is found in multiple mammalian species, which suggests that this missense change does not adversely affect protein function. This variant has not been reported in the literature in individuals affected with SEMA3E-related conditions. This variant is present in population databases (no rsID available, gnomAD no frequency).

NM_012431.3(SEMA3E):c.1900A>C (p.Lys634Gln)

Gene: SEMA3E (semaphorin 3E; minus strand). Cytogenetic location: 7q21.11.
Variant type: single nucleotide variant.
Coding change: c.1900A>C on transcript NM_012431.3 (MANE Select); coding-DNA position 1900, A replaced by C.
Protein change: p.Lys634Gln; replaces lysine 634 with glutamine.
Molecular consequence: missense variant.
Genome position (GRCh38, 1-based): chr7:83,368,014, T>G on the plus strand (A>C on the coding strand, the complement: SEMA3E is on the minus strand). VCF-style: chr7-83368014-T-G. GRCh37 (hg19) VCF-style: chr7-82997330-T-G.
Other names: c.1720A>C, p.Lys574Gln (NM_001178129.2); short protein forms K574Q, K634Q.
Identifiers: ClinVar variation 1423868 (VCV001423868.8), dbSNP rs1421745476, ClinGen allele CA367914694.